The following is an entry in ClinVar:

NM_020921.4(NIN):c.5849A>C (p.Gln1950Pro)

Gene: NIN (ninein; minus strand). Cytogenetic location: 14q22.1.
Variant type: single nucleotide variant.
Coding change: c.5849A>C on transcript NM_020921.4 (MANE Select); coding-DNA position 5849, A replaced by C.
Protein change: p.Gln1950Pro; replaces glutamine 1950 with proline.
Molecular consequence: missense variant.
Genome position (GRCh38, 1-based): chr14:50,735,544, T>G on the plus strand (A>C on the coding strand, the complement: NIN is on the minus strand). VCF-style: chr14-50735544-T-G. GRCh37 (hg19) VCF-style: chr14-51202262-T-G.
Other names: c.3710A>C, p.Gln1237Pro (NM_016350.5); c.5849A>C, p.Gln1950Pro (NM_182944.3, NM_182946.2); short protein forms Q1237P, Q1950P.
Identifiers: ClinVar variation 2176466 (VCV002176466.4), dbSNP rs552742595, ClinGen allele CA7181132.
Genomic context (GRCh38, chr14:50,735,544, plus strand): 5'-TCATAGCTAAGGCCATCTGCTGAGAAACTTACCTCCATGAGCTGCTCATCCAGTTTTACT[T>G]GTTTCTTTTTCAGGCCTTCATTTTCCAAATGAATTGTTTCTAATTCTTGTTCAAGGGAAT-3'
Protein context (NP_065972.4, residues 1940-1960): HLENEGLKKK[Gln1950Pro]VKLDEQLMEM

ClinVar aggregate classification (germline): Uncertain significance (1 of 4 stars; one submission).

Allele frequency attached by ClinVar (database versions not stated): ExAC 0.00001; TOPMed 0.00002; gnomAD 0.00003; 1000 Genomes Project 30x 0.00016; 1000 Genomes Project 0.00020.

Submission:

Labcorp Genetics (formerly Invitae), Labcorp
Classification: Uncertain significance. Last evaluated: 2024-12-31. Review status: criteria provided, single submitter. Criteria: Invitae Variant Classification Sherloc (09022015). Collection method: clinical testing. Allele origin: germline.
Comment: This sequence change replaces glutamine, which is neutral and polar, with proline, which is neutral and non-polar, at codon 1950 of the NIN protein (p.Gln1950Pro). This variant is present in population databases (rs552742595, gnomAD 0.03%). This variant has not been reported in the literature in individuals affected with NIN-related conditions. ClinVar contains an entry for this variant (Variation ID: 2176466). An algorithm developed to predict the effect of missense changes on protein structure and function (PolyPhen-2) suggests that this variant is likely to be disruptive. In summary, the available evidence is currently insufficient to determine the role of this variant in disease. Therefore, it has been classified as a Variant of Uncertain Significance.